The following is an entry in ClinVar:

ClinVar aggregate classification (germline): Uncertain significance (1 of 4 stars; one submission).

Submission:

Labcorp Genetics (formerly Invitae), Labcorp
Classification: Uncertain significance. Last evaluated: 2023-09-29. Review status: criteria provided, single submitter. Criteria: Invitae Variant Classification Sherloc (09022015). Collection method: clinical testing. Allele origin: germline.
Comment: This variant, c.2130_2132del, results in the deletion of 1 amino acid(s) of the NIN protein (p.Glu711del), but otherwise preserves the integrity of the reading frame. This variant is present in population databases (rs759610601, gnomAD 0.01%). This variant has not been reported in the literature in individuals affected with NIN-related conditions. Experimental studies and prediction algorithms are not available or were not evaluated, and the functional significance of this variant is currently unknown. In summary, the available evidence is currently insufficient to determine the role of this variant in disease. Therefore, it has been classified as a Variant of Uncertain Significance.

NM_020921.4(NIN):c.2127GGA[1] (p.Glu711del)

Gene: NIN (ninein; minus strand). Cytogenetic location: 14q22.1.
Variant type: Microsatellite.
Coding change: c.2127GGA[1] on transcript NM_020921.4 (MANE Select); one copy of the 3-base unit GGA starting at c.2127; the reference has two copies in a row; one copy, 3 bases deleted.
Protein change: p.Glu711del; deletes glutamic acid 711.
Molecular consequence: inframe deletion.
Genome position (GRCh38, 1-based): chr14:50,760,124-50,760,126, TCC deleted on the plus strand (GGA on the coding strand, the reverse complement: NIN is on the minus strand); deleting any 3 consecutive bases within chr14:50,760,124-50,760,131 gives the same sequence; the position shown is the placement nearest the transcript's 3' end. VCF-style (leftmost placement, unchanged base first): chr14-50760123-TTCC-T. GRCh37 (hg19) VCF-style: chr14-51226841-TTCC-T.
Other names: c.2127GGA[1], p.Glu711del (NM_016350.5, NM_182944.3, NM_182946.2); short protein forms E711del.
Identifiers: ClinVar variation 1903471 (VCV001903471.5), dbSNP rs759610601, ClinGen allele CA7181994.
Genomic context (GRCh38, chr14:50,760,123, plus strand): 5'-CAGTCTAGCCTTGAGCTCCATCTCATGTTGCAGCCTCAGCTTCTCCTGCAGGTGAGTCTT[TTCC>T]TCCTCAAGCTTCACTTGCAGTTGTTTTTTCTCCTCCTCATGCCTGCAAGTGGCCTCATGA-3'